The following is an entry in ClinVar:

ClinVar aggregate classification (germline): Uncertain significance. Review status: criteria provided, single submitter (1 of 4 stars). 2 submissions from 2 submitters: Uncertain significance (1). 1 of the submissions does not count toward it. Last evaluated 2023-10-13.

Conditions:
Glycogen storage disease type III (GSD3). Also called: Cori disease; FORBES DISEASE. Identifiers: Orphanet 366, MedGen C0017922, MONDO:0009291, OMIM 232400.

gnomAD v4.1: 6 of 1,613,276 alleles (0.00037%); highest among the groups gnomAD compares: Admixed American, 0.0033%; no homozygotes.

Submissions (2):

Labcorp Genetics (formerly Invitae), Labcorp
Classification: Uncertain significance for Glycogen storage disease type III. Last evaluated: 2023-10-13. Review status: criteria provided, single submitter. Criteria: Invitae Variant Classification Sherloc (09022015). Collection method: clinical testing. Allele origin: germline.
Comment: This sequence change replaces arginine, which is basic and polar, with glycine, which is neutral and non-polar, at codon 1218 of the AGL protein (p.Arg1218Gly). This variant is present in population databases (no rsID available, gnomAD 0.003%). This variant has not been reported in the literature in individuals affected with AGL-related conditions. ClinVar contains an entry for this variant (Variation ID: 1044321). Advanced modeling of protein sequence and biophysical properties (such as structural, functional, and spatial information, amino acid conservation, physicochemical variation, residue mobility, and thermodynamic stability) performed at Invitae indicates that this missense variant is expected to disrupt AGL protein function. In summary, the available evidence is currently insufficient to determine the role of this variant in disease. Therefore, it has been classified as a Variant of Uncertain Significance.

Natera, Inc.
Classification: Uncertain significance for Glycogen storage disease type III. Last evaluated: 2021-06-02. Review status: no assertion criteria provided. Collection method: clinical testing. Allele origin: germline. Not counted in ClinVar's aggregate classification.

NM_000642.3(AGL):c.3652C>G (p.Arg1218Gly)

Gene: AGL (amylo-alpha-1,6-glucosidase and 4-alpha-glucanotransferase; plus strand). Cytogenetic location: 1p21.2.
Variant type: single nucleotide variant.
Coding change: c.3652C>G on transcript NM_000642.3 (MANE Select); coding-DNA position 3652, C replaced by G.
Protein change: p.Arg1218Gly; replaces arginine 1218 with glycine.
Molecular consequence: missense variant.
Genome position (GRCh38, 1-based): chr1:99,902,746, C>G. VCF-style: chr1-99902746-C-G. GRCh37 (hg19) VCF-style: chr1-100368302-C-G.
Other names: c.3652C>G, p.Arg1218Gly (NM_000028.3, NM_000643.3, NM_000644.3 and 1 more transcripts); c.3604C>G, p.Arg1202Gly (NM_000646.3); c.3631C>G, p.Arg1211Gly (NM_001425326.1); c.3451C>G, p.Arg1151Gly (NM_001425327.1); c.3448C>G, p.Arg1150Gly (NM_001425328.1); c.3313C>G, p.Arg1105Gly (NM_001425329.1); c.3274C>G, p.Arg1092Gly (NM_001425332.1); short protein forms R1218G, R1202G, R1092G, R1105G, R1150G, R1151G, R1211G.
Identifiers: ClinVar variation 1044321 (VCV001044321.7), dbSNP rs771853367, ClinGen allele CA341334851.